The following is an entry in ClinVar:

NM_024757.5(EHMT1):c.3806_3809del (p.Ala1269fs)

Gene: EHMT1 (euchromatic histone lysine methyltransferase 1; plus strand). Cytogenetic location: 9q34.3.
Variant type: Deletion.
Coding change: c.3806_3809del on transcript NM_024757.5 (MANE Select); coding-DNA positions 3806 to 3809, 4 bases deleted (CCCT; older notation c.3806_3809delCCCT).
Protein change: p.Ala1269fs; shifts the reading frame from alanine 1269.
Molecular consequence: frameshift variant.
Genome position (GRCh38, 1-based): chr9:137,834,862-137,834,865, CCCT deleted. VCF-style (leftmost placement, unchanged base first): chr9-137834861-GCCCT-G. GRCh37 (hg19) VCF-style: chr9-140729313-GCCCT-G.
Other names: c.3785_3788del, p.Ala1262fs (NM_001354263.2); short protein forms A1269fs, A1262fs.
Identifiers: ClinVar variation 2747348 (VCV002747348.3), dbSNP rs2539006269, ClinGen allele CA2697558234.

ClinVar aggregate classification (germline): Uncertain significance (1 of 4 stars; one submission).

Conditions:
Kleefstra syndrome 1 (KLEFS1). Identifiers: Orphanet 261494, MedGen C0795833, MONDO:0027407, OMIM 610253.

Submission:

Labcorp Genetics (formerly Invitae), Labcorp
Classification: Uncertain significance for Kleefstra syndrome 1. Last evaluated: 2025-02-20. Review status: criteria provided, single submitter. Criteria: Invitae Variant Classification Sherloc (09022015). Collection method: clinical testing. Allele origin: germline.
Comment: This sequence change results in a frameshift in the EHMT1 gene (p.Ala1269Glyfs*76). While this is not anticipated to result in nonsense mediated decay, it is expected to disrupt the last 30 amino acid(s) of the EHMT1 protein and extend the protein by 45 additional amino acid residues. This variant is not present in population databases (gnomAD no frequency). This variant has not been reported in the literature in individuals affected with EHMT1-related conditions. This frameshift has been observed in at least one individual who was not affected with EHMT1-related conditions (internal data). ClinVar contains an entry for this variant (Variation ID: 2747348). Experimental studies and prediction algorithms are not available or were not evaluated, and the functional significance of this variant is currently unknown. In summary, the available evidence is currently insufficient to determine the role of this variant in disease. Therefore, it has been classified as a Variant of Uncertain Significance.